The following is an entry in ClinVar:

ClinVar aggregate classification (germline): Benign/Likely benign. Review status: criteria provided, multiple submitters, no conflicts (2 of 4 stars). 3 submissions from 3 submitters: Benign (1); Likely benign (2). Last evaluated 2024-07-01.

Conditions:
Hereditary cancer-predisposing syndrome. Also called: Hereditary Cancer Syndrome; Neoplastic Syndromes, Hereditary; Hereditary neoplastic syndrome; Tumor predisposition. Identifiers: Orphanet 140162, MedGen C0027672, MeSH D009386, MONDO:0015356.
Oligodontia-cancer predisposition syndrome. Also called: TOOTH AGENESIS-COLORECTAL CANCER SYNDROME. Identifiers: Orphanet 300576, MedGen C1837750, MONDO:0012075, OMIM 608615. Disease mechanism: loss of function.

Allele frequency attached by ClinVar (database versions not stated): TOPMed 0.00001.

Submissions (3):

Myriad Genetics, Inc.
Classification: Benign for Oligodontia-cancer predisposition syndrome. Last evaluated: 2024-07-01. Review status: criteria provided, single submitter. Criteria: Myriad Autosomal Dominant, Autosomal Recessive and X-Linked Classification Criteria (2023). Collection method: clinical testing. Allele origin: unknown.
Comment: This variant is considered benign. This variant is a silent/synonymous amino acid change and it is not expected to impact splicing.

Labcorp Genetics (formerly Invitae), Labcorp
Classification: Likely benign for Oligodontia-cancer predisposition syndrome. Last evaluated: 2024-04-02. Review status: criteria provided, single submitter. Criteria: Invitae Variant Classification Sherloc (09022015). Collection method: clinical testing. Allele origin: germline.

Ambry Genetics
Classification: Likely benign for Hereditary cancer-predisposing syndrome. Last evaluated: 2024-03-21. Review status: criteria provided, single submitter. Criteria: Ambry Variant Classification Scheme 2023. Collection method: clinical testing. Allele origin: germline.

NM_004655.4(AXIN2):c.1194C>A (p.Ile398=)

Gene: AXIN2 (axin 2; minus strand). Cytogenetic location: 17q24.1.
Variant type: single nucleotide variant.
Coding change: c.1194C>A on transcript NM_004655.4 (MANE Select); coding-DNA position 1194, C replaced by A.
Protein change: p.Ile398=; no amino-acid change (isoleucine 398 retained).
Molecular consequence: synonymous variant.
Genome position (GRCh38, 1-based): chr17:65,538,209, G>T on the plus strand (C>A on the coding strand, the complement: AXIN2 is on the minus strand). VCF-style: chr17-65538209-G-T. GRCh37 (hg19) VCF-style: chr17-63534327-G-T.
Other names: c.1194C>A (NM_004655.3); c.1194C>A, p.Ile398= (NM_001363813.1).
Identifiers: ClinVar variation 1622326 (VCV001622326.10), dbSNP rs948958592, ClinGen allele CA501476237.